The following is an entry in ClinVar:

NM_001267550.2(TTN):c.95196G>A (p.Pro31732=)

Genes: TTN (titin; minus strand), TTN-AS1 (TTN antisense RNA 1; plus strand). Cytogenetic location: 2q31.2.
Variant type: single nucleotide variant.
Coding change: c.95196G>A on transcript NM_001267550.2 (MANE Select); coding-DNA position 95196, G replaced by A.
Protein change: p.Pro31732=; no amino-acid change (proline 31732 retained).
Molecular consequence: synonymous variant.
Genome position (GRCh38, 1-based): chr2:178,546,040, C>T on the plus strand (G>A on the coding strand, the complement: TTN is on the minus strand). VCF-style: chr2-178546040-C-T. GRCh37 (hg19) VCF-style: chr2-179410767-C-T.
Other names: p.Pro30091=; c.90273G>A, p.Pro30091= (NM_001256850.1); c.68001G>A, p.Pro22667= (NM_003319.4); c.87492G>A, p.Pro29164= (NM_133378.4); c.68376G>A, p.Pro22792= (NM_133432.3); c.68577G>A, p.Pro22859= (NM_133437.4); c.95196G>A (NM_001267550.1).
Identifiers: ClinVar variation 332722 (VCV000332722.51), dbSNP rs752309744, ClinGen allele CA1986992.

ClinVar aggregate classification (germline): Conflicting classifications of pathogenicity. Review status: criteria provided, conflicting classifications (1 of 4 stars). 16 submissions from 12 submitters: Uncertain significance (3); Benign (1); Likely benign (9). 3 of the submissions do not count toward it. Last evaluated 2025-10-06.

Conditions:
Autosomal recessive limb-girdle muscular dystrophy type 2J (LGMDR10). Also called: MUSCULAR DYSTROPHY, LIMB-GIRDLE, AUTOSOMAL RECESSIVE 10; Limb-girdle muscular dystrophy, type 2J. Identifiers: Orphanet 140922, MedGen C1837342, MONDO:0012127, OMIM 608807.
Cardiovascular phenotype. Identifiers: MedGen CN230736.
Dilated cardiomyopathy 1G (CMD1G). Identifiers: Orphanet 154, MedGen C1858763, MONDO:0011400, OMIM 604145.
Myopathy, myofibrillar, 9, with early respiratory failure (MFM9). Also called: Myopathy, distal, with early respiratory failure, autosomal dominant; EDSTROM MYOPATHY; Hereditary myopathy with early respiratory failure; MYOPATHY, PROXIMAL, WITH EARLY RESPIRATORY MUSCLE INVOLVEMENT. Identifiers: Orphanet 178464, Orphanet 34521, MedGen C1863599, MONDO:0011362, OMIM 603689.
Tibial muscular dystrophy (TMD). Also called: Udd Distal Myopathy – Tibial Muscular Dystrophy; UDD MYOPATHY; Tibial muscular dystrophy, tardive. Identifiers: Orphanet 609, MedGen C1838244, MONDO:0010870, OMIM 600334.
TTN-related disorder. Also called: TTN-related condition; TTN-related disease; TTN-related disorders.
Early-onset myopathy with fatal cardiomyopathy (CMYO5). Also called: CONGENITAL MYOPATHY 5 WITH CARDIOMYOPATHY; Salih Myopathy. Identifiers: Orphanet 289377, MedGen C2673677, MONDO:0012714, OMIM 611705. Disease mechanism: loss of function.

Allele frequency attached by ClinVar (database versions not stated): ExAC 0.00003; gnomAD exomes 0.00005 and 0.00011; TOPMed 0.00009; gnomAD 0.00010 and 0.00011.
gnomAD v4.1: 175 of 1,613,640 alleles (0.011%); highest among the groups gnomAD compares: Middle Eastern, 0.016%; no homozygotes.

Submissions (16):

Labcorp Genetics (formerly Invitae), Labcorp
Classification: Likely benign for Dilated cardiomyopathy 1G; Autosomal recessive limb-girdle muscular dystrophy type 2J. Last evaluated: 2025-10-06. Review status: criteria provided, single submitter. Criteria: Invitae Variant Classification Sherloc (09022015). Collection method: clinical testing. Allele origin: germline.

Mayo Clinic Laboratories, Mayo Clinic
Classification: Likely benign. Last evaluated: 2025-09-19. Review status: criteria provided, single submitter. Criteria: ACMG Guidelines, 2015. Collection method: clinical testing. Allele origin: germline. Observed: 2 variant alleles.
Comment: BP4, BP7

CeGaT Center for Human Genetics Tuebingen
Classification: Likely benign. Last evaluated: 2025-07-01. Review status: criteria provided, single submitter. Criteria: CeGaT Center For Human Genetics Tuebingen Variant Classification Criteria Version 2. Collection method: clinical testing. Allele origin: germline. Affected: yes. Observed: 2 variant alleles.
Comment: TTN: BP4, BP7

PreventionGenetics, part of Exact Sciences
Classification: Likely benign for TTN-related condition. Last evaluated: 2025-05-22. Review status: criteria provided, single submitter. Criteria: ACMG Guidelines, 2015. Collection method: clinical testing. Allele origin: germline.
Comment: This variant is classified as likely benign based on ACMG/AMP sequence variant interpretation guidelines (Richards et al. 2015 PMID: 25741868, with internal and published modifications).

Athena Diagnostics
Classification: Likely benign. Last evaluated: 2024-02-01. Review status: criteria provided, single submitter. Criteria: Athena Diagnostics Criteria. Collection method: clinical testing. Allele origin: unknown.

Blueprint Genetics
Classification: Likely benign. Last evaluated: 2021-10-07. Review status: criteria provided, single submitter. Criteria: ACMG Guidelines, 2015. Collection method: clinical testing. Allele origin: germline.

GeneDx
Classification: Likely benign. Last evaluated: 2020-12-11. Review status: criteria provided, single submitter. Criteria: GeneDx Variant Classification Process June 2021. Collection method: clinical testing. Allele origin: germline. Affected: yes.

Ambry Genetics
Classification: Likely benign for Cardiovascular phenotype. Last evaluated: 2018-05-31. Review status: criteria provided, single submitter. Criteria: Ambry Variant Classification Scheme 2023. Collection method: clinical testing. Allele origin: germline.

Illumina Laboratory Services, Illumina
Classification: Likely benign for Myopathy, myofibrillar, 9, with early respiratory failure. Last evaluated: 2018-01-13. Review status: criteria provided, single submitter. Criteria: ICSL Variant Classification Criteria 13 December 2019. Collection method: clinical testing. Allele origin: germline.
Comment: This variant was observed in the ICSL laboratory as part of a predisposition screen in an ostensibly healthy population. It had not been previously curated by ICSL or reported in the Human Gene Mutation Database (HGMD: prior to June 1st, 2018), and was therefore a candidate for classification through an automated scoring system. Utilizing variant allele frequency, disease prevalence and penetrance estimates, and inheritance mode, an automated score was calculated to assess if this variant is too frequent to cause the disease. Based on the score and internal cut-off values, a variant classified as likely benign is not then subjected to further curation. The score for this variant resulted in a classification of likely benign for this disease.

Illumina Laboratory Services, Illumina
Classification: Benign for Tibial muscular dystrophy. Last evaluated: 2018-01-13. Review status: criteria provided, single submitter. Criteria: ICSL Variant Classification Criteria 13 December 2019. Collection method: clinical testing. Allele origin: germline.
Comment: This variant was observed in the ICSL laboratory as part of a predisposition screen in an ostensibly healthy population. It had not been previously curated by ICSL or reported in the Human Gene Mutation Database (HGMD: prior to June 1st, 2018), and was therefore a candidate for classification through an automated scoring system. Utilizing variant allele frequency, disease prevalence and penetrance estimates, and inheritance mode, an automated score was calculated to assess if this variant is too frequent to cause the disease. Based on the score and internal cut-off values, a variant classified as benign is not then subjected to further curation. The score for this variant resulted in a classification of benign for this disease.

Illumina Laboratory Services, Illumina
Classification: Uncertain significance for Dilated cardiomyopathy 1G. Last evaluated: 2018-01-13. Review status: criteria provided, single submitter. Criteria: ICSL Variant Classification Criteria 13 December 2019. Collection method: clinical testing. Allele origin: germline.

Illumina Laboratory Services, Illumina
Classification: Uncertain significance for Autosomal recessive limb-girdle muscular dystrophy type 2J. Last evaluated: 2018-01-13. Review status: criteria provided, single submitter. Criteria: ICSL Variant Classification Criteria 13 December 2019. Collection method: clinical testing. Allele origin: germline.

Illumina Laboratory Services, Illumina
Classification: Uncertain significance for Early-onset myopathy with fatal cardiomyopathy. Last evaluated: 2018-01-13. Review status: criteria provided, single submitter. Criteria: ICSL Variant Classification Criteria 13 December 2019. Collection method: clinical testing. Allele origin: germline.

Clinical Genetics DNA and cytogenetics Diagnostics Lab, Erasmus MC, Erasmus Medical Center
Classification: Likely benign. Review status: no assertion criteria provided. Collection method: clinical testing. Allele origin: germline. Affected: yes. Study: VKGL Data-share Consensus. Not counted in ClinVar's aggregate classification.

Clinical Genetics, Academic Medical Center
Classification: Benign. Review status: no assertion criteria provided. Collection method: clinical testing. Allele origin: germline. Affected: yes. Study: VKGL Data-share Consensus. Not counted in ClinVar's aggregate classification.

Joint Genome Diagnostic Labs from Nijmegen and Maastricht, Radboudumc and MUMC+
Classification: Likely benign. Review status: no assertion criteria provided. Collection method: clinical testing. Allele origin: germline. Affected: yes. Study: VKGL Data-share Consensus. Not counted in ClinVar's aggregate classification.